The following is an entry in ClinVar:

ClinVar aggregate classification (germline): Likely benign. Review status: criteria provided, multiple submitters, no conflicts (2 of 4 stars). 2 submissions from 2 submitters: Likely benign (2). Last evaluated 2018-06-19.

Allele frequency attached by ClinVar (database versions not stated): gnomAD 0.00710 and 0.01160; TOPMed 0.01019; gnomAD exomes 0.01478; 1000 Genomes Project 30x 0.04560; 1000 Genomes Project 0.04653.
gnomAD v4.1: 14,391 of 1,000,170 alleles (1.4%); highest among the groups gnomAD compares: South Asian, 11%; 684 homozygotes.

Submissions (2):

GeneDx
Classification: Likely benign. Last evaluated: 2018-06-19. Review status: criteria provided, single submitter. Criteria: GeneDx Variant Classification (06012015). Collection method: clinical testing. Allele origin: germline. Affected: yes.
Comment: This variant is considered likely benign or benign based on one or more of the following criteria: it is a conservative change, it occurs at a poorly conserved position in the protein, it is predicted to be benign by multiple in silico algorithms, and/or has population frequency not consistent with disease.

Breakthrough Genomics
Classification: Likely benign. Review status: criteria provided, single submitter. Criteria: ACMG Guidelines, 2015. Collection method: not provided. Allele origin: germline. Inheritance: Autosomal dominant inheritance. Affected: yes.

NM_001844.5(COL2A1):c.1942-134A>T

Gene: COL2A1 (collagen type II alpha 1 chain; minus strand). Cytogenetic location: 12q13.11.
Variant type: single nucleotide variant.
Coding change: c.1942-134A>T on transcript NM_001844.5 (MANE Select); 134 bases into the intron before coding-DNA position 1942, A replaced by T.
Molecular consequence: intron variant.
Genome position (GRCh38, 1-based): chr12:47,983,870, T>A on the plus strand (A>T on the coding strand, the complement: COL2A1 is on the minus strand). VCF-style: chr12-47983870-T-A. GRCh37 (hg19) VCF-style: chr12-48377653-T-A.
Other names: c.1735-134A>T (NM_033150.3).
Identifiers: ClinVar variation 679792 (VCV000679792.2), dbSNP rs77169216, ClinGen allele CA236525274.